The following is an entry in ClinVar:

ClinVar aggregate classification (germline): Uncertain significance (1 of 4 stars; one submission).

Conditions:
Dihydropteridine reductase deficiency (HPABH4C). Also called: BH4-Deficient Hyperphenylalaninemia C; HYPERPHENYLALANINEMIA, TETRAHYDROBIOPTERIN-DEFICIENT, DUE TO DHPR DEFICIENCY; QDPR DEFICIENCY; QUINOID DIHYDROPTERIDINE REDUCTASE DEFICIENCY; Phenylketonuria II; Hyperphenylalaninemia due to dihydropteridine reductase deficiency. Identifiers: Orphanet 226, Orphanet 238583, MedGen C0268465, MONDO:0009862, OMIM 261630.

Allele frequency attached by ClinVar (database versions not stated): TOPMed below 0.00001; gnomAD 0.00001.
gnomAD v4.1: 11 of 1,603,400 alleles (0.00069%); highest among the groups gnomAD compares: Non-Finnish European, 0.00085%; no homozygotes.

Submission:

Labcorp Genetics (formerly Invitae), Labcorp
Classification: Uncertain significance for Dihydropteridine reductase deficiency. Last evaluated: 2022-07-25. Review status: criteria provided, single submitter. Criteria: Invitae Variant Classification Sherloc (09022015). Collection method: clinical testing. Allele origin: germline.
Comment: This sequence change affects codon 8 of the QDPR mRNA. It is a 'silent' change, meaning that it does not change the encoded amino acid sequence of the QDPR protein. This variant is present in population databases (no rsID available, gnomAD 0.001%). This variant has not been reported in the literature in individuals affected with QDPR-related conditions. Algorithms developed to predict the effect of sequence changes on RNA splicing suggest that this variant may disrupt the consensus splice site. In summary, the available evidence is currently insufficient to determine the role of this variant in disease. Therefore, it has been classified as a Variant of Uncertain Significance.

NM_000320.3(QDPR):c.24C>T (p.Gly8=)

Genes: QDPR (quinoid dihydropteridine reductase; minus strand), LOC129992304 (ATAC-STARR-seq lymphoblastoid silent region 15310; plus strand). Cytogenetic location: 4p15.32.
Variant type: single nucleotide variant.
Coding change: c.24C>T on transcript NM_000320.3 (MANE Select); coding-DNA position 24, C replaced by T.
Protein change: p.Gly8=; no amino-acid change (glycine 8 retained).
Molecular consequence: synonymous variant. On other transcripts: non-coding transcript variant (1).
Genome position (GRCh38, 1-based): chr4:17,512,031, G>A on the plus strand (C>T on the coding strand, the complement: QDPR is on the minus strand). VCF-style: chr4-17512031-G-A. GRCh37 (hg19) VCF-style: chr4-17513654-G-A.
Other names: c.24C>T, p.Gly8= (NM_001306140.2).
Identifiers: ClinVar variation 2172059 (VCV002172059.4), dbSNP rs1273199329, ClinGen allele CA438716135.